The following is an entry in ClinVar:

ClinVar aggregate classification (germline): Uncertain significance (1 of 4 stars; one submission).

Submission:

GeneDx
Classification: Uncertain significance. Last evaluated: 2019-09-16. Review status: criteria provided, single submitter. Criteria: GeneDx Variant Classification Process June 2021. Collection method: clinical testing. Allele origin: germline. Affected: yes.
Comment: Not observed in large population cohorts (Lek et al., 2016); In silico analysis, which includes splice predictors and evolutionary conservation, supports a deleterious effect; Has not been previously published as pathogenic or benign to our knowledge

NM_001122955.4(BSCL2):c.631-10C>G

Genes: HNRNPUL2-BSCL2 (HNRNPUL2-BSCL2 readthrough (NMD candidate); minus strand), BSCL2 (BSCL2 lipid droplet biogenesis associated, seipin; minus strand). Cytogenetic location: 11q12.3.
Variant type: single nucleotide variant.
Coding change: c.631-10C>G on transcript NM_001122955.4 (MANE Select); 10 bases into the intron before coding-DNA position 631, C replaced by G.
Molecular consequence: intron variant.
Genome position (GRCh38, 1-based): chr11:62,692,807, G>C on the plus strand (C>G on the coding strand, the complement: BSCL2 is on the minus strand). VCF-style: chr11-62692807-G-C. GRCh37 (hg19) VCF-style: chr11-62460279-G-C.
Other names: c.439-10C>G (NM_001130702.2, NM_032667.6); c.631-10C>G (NM_001386028.1, NM_001386027.1).
Identifiers: ClinVar variation 1320704 (VCV001320704.2), dbSNP rs1476658275, ClinGen allele CA2573053532.